The following is an entry in ClinVar:

ClinVar aggregate classification (germline): Uncertain significance (1 of 4 stars; one submission).

Allele frequency attached by ClinVar (database versions not stated): gnomAD exomes below 0.00001.
gnomAD v4.1: 3 of 1,184,870 alleles (0.00025%); highest among the groups gnomAD compares: Non-Finnish European, 0.00034%; no homozygotes.

Submission:

Labcorp Genetics (formerly Invitae), Labcorp
Classification: Uncertain significance. Last evaluated: 2019-08-15. Review status: criteria provided, single submitter. Criteria: Invitae Variant Classification Sherloc (09022015). Collection method: clinical testing. Allele origin: germline.
Comment: In summary, the available evidence is currently insufficient to determine the role of this variant in disease. Therefore, it has been classified as a Variant of Uncertain Significance. Algorithms developed to predict the effect of missense changes on protein structure and function are either unavailable or do not agree on the potential impact of this missense change (SIFT: "Deleterious"; PolyPhen-2: "Possibly Damaging"; Align-GVGD: "Class C15"). This variant has not been reported in the literature in individuals with CACNA1F-related conditions. This variant is not present in population databases (ExAC no frequency). This sequence change replaces leucine with phenylalanine at codon 977 of the CACNA1F protein (p.Leu977Phe). The leucine residue is highly conserved and there is a small physicochemical difference between leucine and phenylalanine.

NM_001256789.3(CACNA1F):c.2896C>T (p.Leu966Phe)

Gene: CACNA1F (calcium voltage-gated channel subunit alpha1 F; minus strand). Cytogenetic location: Xp11.23.
Variant type: single nucleotide variant.
Coding change: c.2896C>T on transcript NM_001256789.3 (MANE Select); coding-DNA position 2896, C replaced by T.
Protein change: p.Leu966Phe; replaces leucine 966 with phenylalanine.
Molecular consequence: missense variant.
Genome position (GRCh38, 1-based): chrX:49,218,487, G>A on the plus strand (C>T on the coding strand, the complement: CACNA1F is on the minus strand). VCF-style: chrX-49218487-G-A. GRCh37 (hg19) VCF-style: chrX-49074946-G-A.
Other names: c.2734C>T, p.Leu912Phe (NM_001256790.3); c.2929C>T, p.Leu977Phe (NM_005183.4); short protein forms L966F, L912F, L977F.
Identifiers: ClinVar variation 957245 (VCV000957245.9), dbSNP rs2065740369, ClinGen allele CA412964639.